The following is an entry in ClinVar:

NM_014991.6(WDFY3):c.7272+2T>C

Gene: WDFY3 (WD repeat and FYVE domain containing 3; minus strand). Cytogenetic location: 4q21.23.
Variant type: single nucleotide variant.
Coding change: c.7272+2T>C on transcript NM_014991.6 (MANE Select); the canonical splice donor site of the intron after coding-DNA position 7272, T replaced by C.
Molecular consequence: splice donor variant.
Genome position (GRCh38, 1-based): chr4:84,726,859, A>G on the plus strand (T>C on the coding strand, the complement: WDFY3 is on the minus strand). VCF-style: chr4-84726859-A-G. GRCh37 (hg19) VCF-style: chr4-85648012-A-G.
Identifiers: ClinVar variation 2571206 (VCV002571206.27), dbSNP rs2531721989, ClinGen allele CA357547490.
Genomic context (GRCh38, chr4:84,726,859, plus strand): 5'-CCAGAAAACAAAAAACAAAACTACAAGTAGTTTACATTCTTTTACTGTAATTTGTGTTTT[A>G]CCTTTTGAGGAATATCATCGGGTGTCTCAGGCTGTTTACTTGGGATCTCAGACTGAAAAC-3'

ClinVar aggregate classification (germline): Uncertain significance (1 of 4 stars; one submission).

Submission:

CeGaT Center for Human Genetics Tuebingen
Classification: Uncertain significance. Last evaluated: 2023-05-01. Review status: criteria provided, single submitter. Criteria: CeGaT Center For Human Genetics Tuebingen Variant Classification Criteria Version 2. Collection method: clinical testing. Allele origin: germline. Affected: yes. Observed: 1 variant allele.
Comment: WDFY3: PM2, PVS1:Moderate